The following is an entry in ClinVar:

ClinVar aggregate classification (germline): Likely benign (1 of 4 stars; one submission).

Conditions:
PRKCB-related disorder. Also called: PRKCB-related condition.

gnomAD v4.1: 75 of 1,612,006 alleles (0.0047%); highest among the groups gnomAD compares: East Asian, 0.14%; no homozygotes.

Submission:

PreventionGenetics, part of Exact Sciences
Classification: Likely benign for PRKCB-related condition. Last evaluated: 2026-06-02. Review status: criteria provided, single submitter. Criteria: ACMG Guidelines, 2015. Collection method: clinical testing. Allele origin: germline.
Comment: This variant is classified as likely benign based on ACMG/AMP sequence variant interpretation guidelines (Richards et al. 2015 PMID: 25741868, with internal and published modifications).

NM_002738.7(PRKCB):c.849C>T (p.Gly283=)

Gene: PRKCB (protein kinase C beta; plus strand). Cytogenetic location: 16p12.2.
Variant type: single nucleotide variant.
Coding change: c.849C>T on transcript NM_002738.7 (MANE Select); coding-DNA position 849, C replaced by T.
Protein change: p.Gly283=; no amino-acid change (glycine 283 retained).
Molecular consequence: synonymous variant.
Genome position (GRCh38, 1-based): chr16:24,113,000, C>T. VCF-style: chr16-24113000-C-T. GRCh37 (hg19) VCF-style: chr16-24124321-C-T.
Other names: c.849C>T, p.Gly283= (NM_212535.3).
Identifiers: ClinVar variation 4978577 (VCV004978577.1).